The following is an entry in ClinVar:

ClinVar aggregate classification (germline): Uncertain significance (1 of 4 stars; one submission).

Conditions:
Fanconi anemia complementation group C (FANCC). Also called: FANCONI PANCYTOPENIA, TYPE 3; FACC; Fanconi anemia, group C; FANCC-Related Fanconi Anemia. Identifiers: Orphanet 84, MedGen C3468041, MONDO:0009213, OMIM 227645.

Submission:

Juno Genomics, Hangzhou Juno Genomics, Inc
Classification: Uncertain significance for Fanconi anemia complementation group C. Review status: criteria provided, single submitter. Criteria: ACMG Guidelines, 2015. Collection method: clinical testing. Allele origin: germline.
Comment: Absent from controls (or at extremely low frequency if recessive) in Genome Aggregation Database.;Protein length changes due to in-frame deletions/insertions in a non-repeat region or stop-loss variants.

NM_000136.3(FANCC):c.23_34delinsAGAAAGATC (p.Leu8_Tyr12delinsGlnLysAspHis)

Gene: FANCC (FA complementation group C; minus strand). Cytogenetic location: 9q22.32.
Variant type: Indel.
Coding change: c.23_34delinsAGAAAGATC on transcript NM_000136.3 (MANE Select); coding-DNA positions 23 to 34, TTTCTTGTGATT replaced by AGAAAGATC.
Protein change: p.Leu8_Tyr12delinsGlnLysAspHis.
Molecular consequence: inframe indel.
Genome position (GRCh38, 1-based): chr9:95,249,258-95,249,269, AATCACAAGAAA replaced by GATCTTTCT on the plus strand (TTTCTTGTGATT replaced by AGAAAGATC on the coding strand, the reverse complement: FANCC is on the minus strand). VCF-style: chr9-95249258-AATCACAAGAAA-GATCTTTCT. GRCh37 (hg19) VCF-style: chr9-98011540-AATCACAAGAAA-GATCTTTCT.
Other names: c.23_34delinsAGAAAGATC, p.Leu8_Tyr12delinsGlnLysAspHis (NM_001243743.2, NM_001243744.2).
Identifiers: ClinVar variation 5007476 (VCV005007476.2).
Genomic context (GRCh38, chr9:95,249,258, plus strand): 5'-GCTGGGTTTCCAAAGTGGAAGCCTGATCCCATACAGAAAGCTTCTGCATCCAAAACTGAT[AATCACAAGAAA>GATCTTTCT]GATCTACTGAATCTTGAGCCATCTTGGAAAAAGCGAAAAGGTGATGTCCCTTCACAGCAG-3'